The following is an entry in ClinVar:

NM_001963.6(EGF):c.772C>T (p.Arg258Cys)

Gene: EGF (epidermal growth factor; plus strand). Cytogenetic location: 4q25.
Variant type: single nucleotide variant.
Coding change: c.772C>T on transcript NM_001963.6 (MANE Select); coding-DNA position 772, C replaced by T.
Protein change: p.Arg258Cys; replaces arginine 258 with cysteine.
Molecular consequence: missense variant.
Genome position (GRCh38, 1-based): chr4:109,945,107, C>T. VCF-style: chr4-109945107-C-T. GRCh37 (hg19) VCF-style: chr4-110866263-C-T.
Other names: c.772C>T, p.Arg258Cys (NM_001178130.3, NM_001178131.3, NM_001357021.2); short protein forms R258C.
Identifiers: ClinVar variation 1930129 (VCV001930129.5), dbSNP rs757131048, ClinGen allele CA3043494.

ClinVar aggregate classification (germline): Uncertain significance (1 of 4 stars; one submission).

Allele frequency attached by ClinVar (database versions not stated): gnomAD exomes 0.00001; ExAC 0.00002; gnomAD 0.00002; TOPMed 0.00003.
gnomAD v4.1: 16 of 1,613,896 alleles (0.00099%); highest among the groups gnomAD compares: African/African-American, 0.0067%; no homozygotes.

Submission:

Labcorp Genetics (formerly Invitae), Labcorp
Classification: Uncertain significance. Last evaluated: 2024-06-03. Review status: criteria provided, single submitter. Criteria: Invitae Variant Classification Sherloc (09022015). Collection method: clinical testing. Allele origin: germline.
Comment: This sequence change replaces arginine, which is basic and polar, with cysteine, which is neutral and slightly polar, at codon 258 of the EGF protein (p.Arg258Cys). This variant is present in population databases (rs757131048, gnomAD 0.008%). This variant has not been reported in the literature in individuals affected with EGF-related conditions. ClinVar contains an entry for this variant (Variation ID: 1930129). Algorithms developed to predict the effect of missense changes on protein structure and function output the following: SIFT: "Not Available"; PolyPhen-2: "Benign"; Align-GVGD: "Not Available". The cysteine amino acid residue is found in multiple mammalian species, which suggests that this missense change does not adversely affect protein function. In summary, the available evidence is currently insufficient to determine the role of this variant in disease. Therefore, it has been classified as a Variant of Uncertain Significance.